The following is an entry in ClinVar:

NM_000038.6(APC):c.1060C>T (p.Pro354Ser)

Gene: APC (APC regulator of Wnt signaling pathway; plus strand). Cytogenetic location: 5q22.2.
Variant type: single nucleotide variant.
Coding change: c.1060C>T on transcript NM_000038.6 (MANE Select); coding-DNA position 1060, C replaced by T.
Protein change: p.Pro354Ser; replaces proline 354 with serine.
Molecular consequence: missense variant. On other transcripts: non-coding transcript variant (2), intron variant (15).
Genome position (GRCh38, 1-based): chr5:112,819,092, C>T. VCF-style: chr5-112819092-C-T. GRCh37 (hg19) VCF-style: chr5-112154789-C-T.
Other names: c.1060C>T, p.Pro354Ser (NM_001127510.3, NM_001354895.2, NM_001354896.2 and 4 more transcripts); c.1006C>T, p.Pro336Ser (NM_001127511.3); c.1090C>T, p.Pro364Ser (NM_001354897.2, NM_001407446.1); c.985C>T, p.Pro329Ser (NM_001354898.2, NM_001407451.1); c.976C>T, p.Pro326Ser (NM_001354899.2, NM_001407452.1); c.883C>T, p.Pro295Ser (NM_001354900.2, NM_001354901.2, NM_001407453.1); c.211C>T, p.Pro71Ser (NM_001354906.2, NM_001407470.1); c.85-177C>T (NM_001407472.1, NM_001407471.1); and 5 more; short protein forms P295S, P326S, P71S, P336S, P354S, P329S, P364S.
Identifiers: ClinVar variation 3882144 (VCV003882144.2).

ClinVar aggregate classification (germline): Uncertain significance. Review status: criteria provided, multiple submitters, no conflicts (2 of 4 stars). 2 submissions from 2 submitters: Uncertain significance (2). Last evaluated 2025-07-10.

Conditions:
Hereditary cancer-predisposing syndrome. Also called: Tumor predisposition; Neoplastic Syndromes, Hereditary; Hereditary Cancer Syndrome; Hereditary neoplastic syndrome. Identifiers: Orphanet 140162, MedGen C0027672, MeSH D009386, MONDO:0015356.

Submissions (2):

Quest Diagnostics Nichols Institute San Juan Capistrano
Classification: Uncertain significance. Last evaluated: 2025-07-10. Review status: criteria provided, single submitter. Criteria: Quest Diagnostics criteria. Collection method: clinical testing. Allele origin: unknown.
Comment: The APC c.1060C>T (p.Pro354Ser) variant has not been reported in individuals with APC-related conditions in the published literature. It also has not been reported in large, multi-ethnic general populations (Genome Aggregation Database). Analysis of this variant using bioinformatics tools for the prediction of the effect of amino acid changes on protein structure and function yielded predictions that this variant is damaging. Based on the available information, we are unable to determine the clinical significance of this variant.

Ambry Genetics
Classification: Uncertain significance for Hereditary cancer-predisposing syndrome. Last evaluated: 2025-01-30. Review status: criteria provided, single submitter. Criteria: Ambry Variant Classification Scheme 2023. Collection method: clinical testing. Allele origin: germline.
Comment: The p.P354S variant (also known as c.1060C>T), located in coding exon 9 of the APC gene, results from a C to T substitution at nucleotide position 1060. The proline at codon 354 is replaced by serine, an amino acid with similar properties. This amino acid position is conserved. In addition, in silico predictors for this gene do not accurately predict pathogenicity. Based on the available evidence, the clinical significance of this variant remains unclear.